The following is an entry in ClinVar:

NM_003661.4(APOL1):c.1092G>A (p.Lys364=)

Gene: APOL1 (apolipoprotein L1; plus strand). Cytogenetic location: 22q12.3.
Variant type: single nucleotide variant.
Coding change: c.1092G>A on transcript NM_003661.4 (MANE Select); coding-DNA position 1092, G replaced by A.
Protein change: p.Lys364=; no amino-acid change (lysine 364 retained).
Molecular consequence: synonymous variant.
Genome position (GRCh38, 1-based): chr22:36,265,928, G>A. VCF-style: chr22-36265928-G-A. GRCh37 (hg19) VCF-style: chr22-36661974-G-A.
Other names: c.1092G>A, p.Lys364= (NM_001136540.2); c.1038G>A, p.Lys346= (NM_001136541.2, NM_001362927.2); c.1140G>A, p.Lys380= (NM_145343.3); c.1092G>A (NM_003661.3).
Identifiers: ClinVar variation 1564116 (VCV001564116.10), dbSNP rs2146313138, ClinGen allele CA514473360.
Genomic context (GRCh38, chr22:36,265,928, plus strand): 5'-TCTTGTGCTGGATGTAGTCTACCTCGTGTACGAATCAAAGCACTTACATGAGGGGGCAAA[G>A]TCAGAGACAGCTGAGGAGCTGAAGAAGGTGGCTCAGGAGCTGGAGGAGAAGCTAAACATT-3'
Protein context (NP_003652.2, residues 354-374): YESKHLHEGA[Lys364=]SETAEELKKV

ClinVar aggregate classification (germline): Likely benign. Review status: criteria provided, single submitter (1 of 4 stars). 2 submissions from 2 submitters: Likely benign (1). 1 of the submissions does not count toward it. Last evaluated 2021-10-26.

Conditions:
APOL1-related disorder. Also called: APOL1-related condition.

Submissions (2):

Labcorp Genetics (formerly Invitae), Labcorp
Classification: Likely benign. Last evaluated: 2021-10-26. Review status: criteria provided, single submitter. Criteria: Invitae Variant Classification Sherloc (09022015). Collection method: clinical testing. Allele origin: germline.

PreventionGenetics, part of Exact Sciences
Classification: Likely benign for APOL1-related condition. Last evaluated: 2021-10-21. Review status: no assertion criteria provided. Collection method: clinical testing. Allele origin: germline. Not counted in ClinVar's aggregate classification.
Comment: This variant is classified as likely benign based on ACMG/AMP sequence variant interpretation guidelines (Richards et al. 2015 PMID: 25741868, with internal and published modifications).